The following is an entry in ClinVar:

NM_018474.6(KIZ):c.1625G>T (p.Gly542Val)

Genes: KIZ (kizuna centrosomal protein; plus strand), KIZ-AS1 (KIZ antisense RNA 1; minus strand). Cytogenetic location: 20p11.23.
Variant type: single nucleotide variant.
Coding change: c.1625G>T on transcript NM_018474.6 (MANE Select); coding-DNA position 1625, G replaced by T.
Protein change: p.Gly542Val; replaces glycine 542 with valine.
Molecular consequence: missense variant.
Genome position (GRCh38, 1-based): chr20:21,215,595, G>T. VCF-style: chr20-21215595-G-T. GRCh37 (hg19) VCF-style: chr20-21196233-G-T.
Other names: c.1316G>T, p.Gly439Val (NM_001163022.3); c.1226G>T, p.Gly409Val (NM_001163023.3); c.1478G>T, p.Gly493Val (NM_001276389.2); c.1571G>T, p.Gly524Val (NM_001352434.2); c.1262G>T, p.Gly421Val (NM_001352435.2); c.1283G>T, p.Gly428Val (NM_001352436.2); short protein forms G439V, G421V, G542V, G409V, G524V, G428V, G493V.
Identifiers: ClinVar variation 1388694 (VCV001388694.5), dbSNP rs749374975, ClinGen allele CA9784930.

ClinVar aggregate classification (germline): Uncertain significance (1 of 4 stars; one submission).

Allele frequency attached by ClinVar (database versions not stated): gnomAD exomes below 0.00001; ExAC 0.00001; gnomAD 0.00001; TOPMed 0.00001.
gnomAD v4.1: 2 of 1,599,354 alleles (0.00013%); highest among the groups gnomAD compares: African/African-American, 0.0027%; no homozygotes.

Submission:

Labcorp Genetics (formerly Invitae), Labcorp
Classification: Uncertain significance. Last evaluated: 2023-04-24. Review status: criteria provided, single submitter. Criteria: Invitae Variant Classification Sherloc (09022015). Collection method: clinical testing. Allele origin: germline.
Comment: This sequence change replaces glycine with valine at codon 542 of the KIZ protein (p.Gly542Val). There is a moderate physicochemical difference between glycine and valine. The frequency data for this variant in the population databases is considered unreliable, as metrics indicate poor data quality at this position in the gnomAD database. This variant has not been reported in the literature in individuals affected with KIZ-related conditions. ClinVar contains an entry for this variant (Variation ID: 1388694). Experimental studies and prediction algorithms are not available or were not evaluated, and the functional significance of this variant is currently unknown. In summary, the available evidence is currently insufficient to determine the role of this variant in disease. Therefore, it has been classified as a Variant of Uncertain Significance.